The following is an entry in ClinVar:

NM_002641.4(PIGA):c.538C>T (p.His180Tyr)

Gene: PIGA (phosphatidylinositol glycan anchor biosynthesis class A; minus strand). Cytogenetic location: Xp22.2.
Variant type: single nucleotide variant.
Coding change: c.538C>T on transcript NM_002641.4 (MANE Select); coding-DNA position 538, C replaced by T.
Protein change: p.His180Tyr; replaces histidine 180 with tyrosine.
Molecular consequence: missense variant. On other transcripts: intron variant (1).
Genome position (GRCh38, 1-based): chrX:15,331,393, G>A on the plus strand (C>T on the coding strand, the complement: PIGA is on the minus strand). VCF-style: chrX-15331393-G-A. GRCh37 (hg19) VCF-style: chrX-15349515-G-A.
Other names: c.13+4108C>T (NM_020473.3); c.538C>T (NM_002641.3); short protein forms H180Y.
Identifiers: ClinVar variation 1023020 (VCV001023020.10), dbSNP rs1922149677, ClinGen allele CA412339250.

ClinVar aggregate classification (germline): Uncertain significance. Review status: criteria provided, multiple submitters, no conflicts (2 of 4 stars). 2 submissions from 2 submitters: Uncertain significance (2). Last evaluated 2025-03-07.

Conditions:
Multiple congenital anomalies-hypotonia-seizures syndrome 2 (MCAHS2). Also called: GLYCOSYLPHOSPHATIDYLINOSITOL BIOSYNTHESIS DEFECT 4; EPILEPTIC ENCEPHALOPATHY, EARLY INFANTILE, 20. Identifiers: Orphanet 300496, MedGen C3275508, MONDO:0010466, OMIM 300868.

Submissions (2):

GeneDx
Classification: Uncertain significance. Last evaluated: 2025-03-07. Review status: criteria provided, single submitter. Criteria: GeneDx Variant Classification Process June 2021. Collection method: clinical testing. Allele origin: germline. Affected: yes.
Comment: Not observed at significant frequency in large population cohorts (gnomAD); In silico analysis supports that this missense variant has a deleterious effect on protein structure/function; Has not been previously published as pathogenic or benign to our knowledge

Labcorp Genetics (formerly Invitae), Labcorp
Classification: Uncertain significance for Multiple congenital anomalies-hypotonia-seizures syndrome 2. Last evaluated: 2020-10-19. Review status: criteria provided, single submitter. Criteria: Invitae Variant Classification Sherloc (09022015). Collection method: clinical testing. Allele origin: germline.
Comment: This sequence change replaces histidine with tyrosine at codon 180 of the PIGA protein (p.His180Tyr). The histidine residue is moderately conserved and there is a moderate physicochemical difference between histidine and tyrosine. This variant is not present in population databases (ExAC no frequency). This variant has not been reported in the literature in individuals with PIGA-related conditions. Algorithms developed to predict the effect of missense changes on protein structure and function are either unavailable or do not agree on the potential impact of this missense change (SIFT: "Deleterious"; PolyPhen-2: "Benign"; Align-GVGD: "Class C0"). In summary, the available evidence is currently insufficient to determine the role of this variant in disease. Therefore, it has been classified as a Variant of Uncertain Significance.